The following is an entry in ClinVar:

NM_020928.2(ZSWIM6):c.2131A>G (p.Thr711Ala)

Gene: ZSWIM6 (zinc finger SWIM-type containing 6; plus strand). Cytogenetic location: 5q12.1.
Variant type: single nucleotide variant.
Coding change: c.2131A>G on transcript NM_020928.2 (MANE Select); coding-DNA position 2131, A replaced by G.
Protein change: p.Thr711Ala; replaces threonine 711 with alanine.
Molecular consequence: missense variant.
Genome position (GRCh38, 1-based): chr5:61,531,611, A>G. VCF-style: chr5-61531611-A-G. GRCh37 (hg19) VCF-style: chr5-60827438-A-G.
Other names: short protein forms T711A.
Identifiers: ClinVar variation 2798706 (VCV002798706.3), dbSNP rs1749434566, ClinGen allele CA359944648.
Genomic context (GRCh38, chr5:61,531,611, plus strand): 5'-GCTGTGGAAGTAGCCCTGATAGGGCTAGGACAGCAGCGTATCATGCCTGATGGGCTGTAC[A>G]CACAAGAGAAAGTTTGCCGGAATGAGGAGCAGCTCATTTCTAAGCTTCAGGAAATTGAAT-3'
Protein context (NP_065979.1, residues 701-721): QQRIMPDGLY[Thr711Ala]QEKVCRNEEQ

ClinVar aggregate classification (germline): Uncertain significance (1 of 4 stars; one submission).

Allele frequency attached by ClinVar (database versions not stated): gnomAD 0.00001.
gnomAD v4.1: 1 of 1,551,598 alleles (0.000064%); highest among the groups gnomAD compares: South Asian, 0.0012%; no homozygotes.

Submission:

Labcorp Genetics (formerly Invitae), Labcorp
Classification: Uncertain significance. Last evaluated: 2023-07-09. Review status: criteria provided, single submitter. Criteria: Invitae Variant Classification Sherloc (09022015). Collection method: clinical testing. Allele origin: germline.
Comment: In summary, the available evidence is currently insufficient to determine the role of this variant in disease. Therefore, it has been classified as a Variant of Uncertain Significance. Advanced modeling of protein sequence and biophysical properties (such as structural, functional, and spatial information, amino acid conservation, physicochemical variation, residue mobility, and thermodynamic stability) performed at Invitae indicates that this missense variant is not expected to disrupt ZSWIM6 protein function. This variant has not been reported in the literature in individuals affected with ZSWIM6-related conditions. This variant is not present in population databases (gnomAD no frequency). This sequence change replaces threonine, which is neutral and polar, with alanine, which is neutral and non-polar, at codon 711 of the ZSWIM6 protein (p.Thr711Ala).